The following is an entry in ClinVar:

ClinVar aggregate classification (germline): Uncertain significance (1 of 4 stars; one submission).

Submission:

Labcorp Genetics (formerly Invitae), Labcorp
Classification: Uncertain significance. Last evaluated: 2024-07-03. Review status: criteria provided, single submitter. Criteria: Invitae Variant Classification Sherloc (09022015). Collection method: clinical testing. Allele origin: germline.
Comment: This sequence change replaces glycine, which is neutral and non-polar, with valine, which is neutral and non-polar, at codon 484 of the PLOD3 protein (p.Gly484Val). This variant is not present in population databases (gnomAD no frequency). This variant has not been reported in the literature in individuals affected with PLOD3-related conditions. Advanced modeling of protein sequence and biophysical properties (such as structural, functional, and spatial information, amino acid conservation, physicochemical variation, residue mobility, and thermodynamic stability) performed at Invitae indicates that this missense variant is not expected to disrupt PLOD3 protein function with a negative predictive value of 80%. In summary, the available evidence is currently insufficient to determine the role of this variant in disease. Therefore, it has been classified as a Variant of Uncertain Significance.

NM_001084.5(PLOD3):c.1451G>T (p.Gly484Val)

Gene: PLOD3 (procollagen-lysine,2-oxoglutarate 5-dioxygenase 3; minus strand). Cytogenetic location: 7q22.1.
Variant type: single nucleotide variant.
Coding change: c.1451G>T on transcript NM_001084.5 (MANE Select); coding-DNA position 1451, G replaced by T.
Protein change: p.Gly484Val; replaces glycine 484 with valine.
Molecular consequence: missense variant.
Genome position (GRCh38, 1-based): chr7:101,210,581, C>A on the plus strand (G>T on the coding strand, the complement: PLOD3 is on the minus strand). VCF-style: chr7-101210581-C-A. GRCh37 (hg19) VCF-style: chr7-100853862-C-A.
Other names: short protein forms G484V.
Identifiers: ClinVar variation 3678805 (VCV003678805.2).